The following is an entry in ClinVar:

ClinVar aggregate classification (germline): Pathogenic/Likely pathogenic. Review status: criteria provided, multiple submitters, no conflicts (2 of 4 stars). 5 submissions from 5 submitters: Pathogenic (2); Likely pathogenic (3). Last evaluated 2026-08-07.

Conditions:
Myopathy, lactic acidosis, and sideroblastic anemia. Also called: Mitochondrial myopathy and sideroblastic anemia; Myopathy with lactic acidosis and sideroblastic anemia. Identifiers: Orphanet 2598, MedGen C1838103, MONDO:0000863.
Myopathy, lactic acidosis, and sideroblastic anemia 1 (MLASA1). Identifiers: Orphanet 2598, MedGen C4551958, MONDO:0024553, OMIM 600462.

Allele frequency attached by ClinVar (database versions not stated): gnomAD exomes below 0.00001; TOPMed below 0.00001.

Submissions (5):

Myriad Genetics, Inc.
Classification: Pathogenic for Myopathy, lactic acidosis, and sideroblastic anemia 1. Last evaluated: 2026-08-07. Review status: criteria provided, single submitter. Criteria: Myriad Autosomal Dominant, Autosomal Recessive and X-Linked Classification Criteria (2023). Collection method: clinical testing. Allele origin: unknown.
Comment: NM_025215.5(PUS1):c.454dupG(A152Gfs*13) is a frameshift variant classified as pathogenic in the context of myopathy, lactic acidosis, and sideroblastic anemia 1. A152Gfs*13 has not been observed in cases with relevant disease. Relevant functional assessments of this variant are not available in the literature. A152Gfs*13 has not been observed in referenced population frequency databases. In summary, NM_025215.5(PUS1):c.454dupG(A152Gfs*13) is a frameshift variant in a gene where loss of function is a known mechanism of disease and is predicted to disrupt protein function. Please note: this variant was assessed in the context of healthy population screening.

GeneDx
Classification: Likely pathogenic. Last evaluated: 2024-10-14. Review status: criteria provided, single submitter. Criteria: GeneDx Variant Classification Process June 2021. Collection method: clinical testing. Allele origin: germline. Affected: yes.
Comment: Frameshift variant predicted to result in protein truncation or nonsense mediated decay in a gene for which loss of function is a known mechanism of disease; Not observed at significant frequency in large population cohorts (gnomAD); Has not been previously published as pathogenic or benign to our knowledge

Natera, Inc.
Classification: Likely pathogenic for Mitochondrial myopathy and sideroblastic anemia. Last evaluated: 2024-09-29. Review status: criteria provided, single submitter. Criteria: Natera Variant Classification Schema (03/2026). Collection method: clinical testing. Allele origin: germline.
Comment: The c.454dupG variant in PUS1 is a frameshift variant predicted to shift the reading frame beginning at codon 152 and leads to a stop codon 13 codons downstream. This variant is expected to result in nonsense mediated decay, truncation, or a dysfunctional protein product. This variant is rare in the general population with a frequency below the threshold expected for the associated phenotype(s). Given the available evidence, this variant is classified as Likely Pathogenic.

Labcorp Genetics (formerly Invitae), Labcorp
Classification: Pathogenic. Last evaluated: 2024-03-13. Review status: criteria provided, single submitter. Criteria: Invitae Variant Classification Sherloc (09022015). Collection method: clinical testing. Allele origin: germline.
Comment: This sequence change creates a premature translational stop signal (p.Ala152Glyfs*13) in the PUS1 gene. It is expected to result in an absent or disrupted protein product. Loss-of-function variants in PUS1 are known to be pathogenic (PMID: 17056637, 19731322, 25058219, 26556812). This variant is not present in population databases (gnomAD no frequency). This variant has not been reported in the literature in individuals affected with PUS1-related conditions. ClinVar contains an entry for this variant (Variation ID: 423712). For these reasons, this variant has been classified as Pathogenic.

Baylor Genetics
Classification: Likely pathogenic for Myopathy, lactic acidosis, and sideroblastic anemia 1. Last evaluated: 2023-11-30. Review status: criteria provided, single submitter. Criteria: ACMG Guidelines, 2015. Collection method: clinical testing. Allele origin: unknown.

Literature cited by the submitters: PubMed 17056637 (cited by Labcorp Genetics (formerly Invitae), Labcorp); PubMed 19731322 (cited by Labcorp Genetics (formerly Invitae), Labcorp); PubMed 25058219 (cited by Labcorp Genetics (formerly Invitae), Labcorp); PubMed 26556812 (cited by Labcorp Genetics (formerly Invitae), Labcorp).

NM_025215.6(PUS1):c.454dup (p.Ala152fs)

Gene: PUS1 (pseudouridine synthase 1; plus strand). Cytogenetic location: 12q24.33.
Variant type: Duplication.
Coding change: c.454dup on transcript NM_025215.6 (MANE Select); coding-DNA position 454, one base duplicated (G; older notation c.454dupG).
Protein change: p.Ala152fs; shifts the reading frame from alanine 152.
Molecular consequence: frameshift variant.
Genome position (GRCh38, 1-based): chr12:131,939,185, G duplicated. VCF-style (leftmost placement, unchanged base first): chr12-131939184-A-AG. GRCh37 (hg19) VCF-style: chr12-132423729-A-AG.
Other names: c.370dup, p.Ala124fs (NM_001002019.3, NM_001002020.3); c.454dup (NM_025215.5); short protein forms A124fs, A152fs.
Identifiers: ClinVar variation 423712 (VCV000423712.9), dbSNP rs1555268564, ClinGen allele CA16619453.
Genomic context (GRCh38, chr12:131,939,184, plus strand): 5'-CGAGGCCCAAGGGACCCACCTTCCGTCACCCGTTCTGCTTTGTTTACAGGGTGTGTCCGC[A>AG]GCCGGCCAGGTGGTATCCCTGAAGGTGTGGCTGATTGACGACATTCTAGAAAAGATCAAC-3'